The following is an entry in ClinVar:

ClinVar aggregate classification (germline): Uncertain significance. Review status: criteria provided, multiple submitters, no conflicts (2 of 4 stars). 3 submissions from 3 submitters: Uncertain significance (3). Last evaluated 2026-05-03.

Conditions:
Cardiovascular phenotype. Identifiers: MedGen CN230736.

gnomAD v4.1: 4 of 1,540,550 alleles (0.00026%); highest among the groups gnomAD compares: African/African-American, 0.0041%; no homozygotes.

Submissions (3):

Ambry Genetics
Classification: Uncertain significance for Cardiovascular phenotype. Last evaluated: 2026-05-03. Review status: criteria provided, single submitter. Criteria: Ambry Variant Classification Scheme 2023. Collection method: clinical testing. Allele origin: germline.
Comment: The p.P653R variant (also known as c.1958C>G), located in coding exon 1 of the ZNF469 gene, results from a C to G substitution at nucleotide position 1958. The proline at codon 653 is replaced by arginine, an amino acid with dissimilar properties. This amino acid position is conserved. In addition, this alteration is predicted to be tolerated by in silico analysis. Based on the available evidence, the clinical significance of this variant remains unclear.

Labcorp Genetics (formerly Invitae), Labcorp
Classification: Uncertain significance. Last evaluated: 2022-11-06. Review status: criteria provided, single submitter. Criteria: Invitae Variant Classification Sherloc (09022015). Collection method: clinical testing. Allele origin: germline.
Comment: This variant has not been reported in the literature in individuals affected with ZNF469-related conditions. In summary, the available evidence is currently insufficient to determine the role of this variant in disease. Therefore, it has been classified as a Variant of Uncertain Significance. Algorithms developed to predict the effect of missense changes on protein structure and function are either unavailable or do not agree on the potential impact of this missense change (SIFT: "Tolerated"; PolyPhen-2: "Probably Damaging"; Align-GVGD: "Class C0"). ClinVar contains an entry for this variant (Variation ID: 1304647). This variant is not present in population databases (gnomAD no frequency). This sequence change replaces proline, which is neutral and non-polar, with arginine, which is basic and polar, at codon 653 of the ZNF469 protein (p.Pro653Arg).

GeneDx
Classification: Uncertain significance. Last evaluated: 2019-11-05. Review status: criteria provided, single submitter. Criteria: GeneDx Variant Classification Process June 2021. Collection method: clinical testing. Allele origin: germline. Affected: yes.
Comment: Has not been previously published as pathogenic or benign to our knowledge; Not observed in large population cohorts (Lek et al., 2016); In silico analysis, which includes protein predictors and evolutionary conservation, supports a deleterious effect

NM_001367624.2(ZNF469):c.1958C>G (p.Pro653Arg)

Gene: ZNF469 (zinc finger protein 469; plus strand). Cytogenetic location: 16q24.2.
Variant type: single nucleotide variant.
Coding change: c.1958C>G on transcript NM_001367624.2 (MANE Select); coding-DNA position 1958, C replaced by G.
Protein change: p.Pro653Arg; replaces proline 653 with arginine.
Molecular consequence: missense variant.
Genome position (GRCh38, 1-based): chr16:88,429,428, C>G. VCF-style: chr16-88429428-C-G. GRCh37 (hg19) VCF-style: chr16-88495836-C-G.
Other names: NM_001127464.1:c.1958C>G; short protein forms P653R.
Identifiers: ClinVar variation 1304647 (VCV001304647.4), dbSNP rs780409854, ClinGen allele CA286373221.